The following is an entry in ClinVar:

NM_016151.4(TAOK2):c.1331C>T (p.Ala444Val)

Gene: TAOK2 (TAO kinase 2; plus strand). Cytogenetic location: 16p11.2.
Variant type: single nucleotide variant.
Coding change: c.1331C>T on transcript NM_016151.4 (MANE Select); coding-DNA position 1331, C replaced by T.
Protein change: p.Ala444Val; replaces alanine 444 with valine.
Molecular consequence: missense variant.
Genome position (GRCh38, 1-based): chr16:29,983,573, C>T. VCF-style: chr16-29983573-C-T. GRCh37 (hg19) VCF-style: chr16-29994894-C-T.
Other names: c.1331C>T, p.Ala444Val (NM_001252043.2, NM_004783.4); short protein forms A444V.
Identifiers: ClinVar variation 1969550 (VCV001969550.6), dbSNP rs150531888, ClinGen allele CA7998114.
Genomic context (GRCh38, chr16:29,983,573, plus strand): 5'-ACCTATATGATGACCCCTACCAGCCAGAGATAACCCCCAGCCCTCTCCAGCCGCCTGCAG[C>T]CCCAGCTCCCACTTCCACCACCTCTTCCGCCCGCCGCCGGGCCTACTGCCGTAACCGAGA-3'
Protein context (NP_057235.2, residues 434-454): ITPSPLQPPA[Ala444Val]PAPTSTTSSA

ClinVar aggregate classification (germline): Uncertain significance. Review status: criteria provided, multiple submitters, no conflicts (2 of 4 stars). 2 submissions from 2 submitters: Uncertain significance (2). Last evaluated 2023-07-12.

Allele frequency attached by ClinVar (database versions not stated): gnomAD 0.00001; ExAC 0.00002; TOPMed 0.00002; ESP Exome Variant Server 0.00008.
gnomAD v4.1: 4 of 1,613,922 alleles (0.00025%); highest among the groups gnomAD compares: Non-Finnish European, 0.00025%; no homozygotes.

Submissions (2):

Labcorp Genetics (formerly Invitae), Labcorp
Classification: Uncertain significance. Last evaluated: 2023-07-12. Review status: criteria provided, single submitter. Criteria: Invitae Variant Classification Sherloc (09022015). Collection method: clinical testing. Allele origin: germline.
Comment: In summary, the available evidence is currently insufficient to determine the role of this variant in disease. Therefore, it has been classified as a Variant of Uncertain Significance. An algorithm developed to predict the effect of missense changes on protein structure and function (PolyPhen-2) suggests that this variant is likely to be tolerated. ClinVar contains an entry for this variant (Variation ID: 1969550). This variant has not been reported in the literature in individuals affected with TAOK2-related conditions. This variant is present in population databases (rs150531888, gnomAD 0.002%). This sequence change replaces alanine, which is neutral and non-polar, with valine, which is neutral and non-polar, at codon 444 of the TAOK2 protein (p.Ala444Val).

Ambry Genetics
Classification: Uncertain significance. Last evaluated: 2022-09-27. Review status: criteria provided, single submitter. Criteria: Ambry Variant Classification Scheme 2023. Collection method: clinical testing. Allele origin: germline.